The following is an entry in ClinVar:

NM_004946.3(DOCK2):c.1760G>A (p.Ser587Asn)

Gene: DOCK2 (dedicator of cytokinesis 2; plus strand). Cytogenetic location: 5q35.1.
Variant type: single nucleotide variant.
Coding change: c.1760G>A on transcript NM_004946.3 (MANE Select); coding-DNA position 1760, G replaced by A.
Protein change: p.Ser587Asn; replaces serine 587 with asparagine.
Molecular consequence: missense variant. On other transcripts: non-coding transcript variant (1).
Genome position (GRCh38, 1-based): chr5:169,714,128, G>A. VCF-style: chr5-169714128-G-A. GRCh37 (hg19) VCF-style: chr5-169141132-G-A.
Other names: short protein forms S587N.
Identifiers: ClinVar variation 1974797 (VCV001974797.2), dbSNP rs201774749, ClinGen allele CA3553583.

ClinVar aggregate classification (germline): Uncertain significance (1 of 4 stars; one submission).

Conditions:
DOCK2 deficiency. Also called: Immunodeficiency 40. Identifiers: Orphanet 447737, MedGen C4225328, MONDO:0014637, OMIM 616433.

Allele frequency attached by ClinVar (database versions not stated): TOPMed below 0.00001; ExAC 0.00001; gnomAD 0.00001; 1000 Genomes Project 30x 0.00016; 1000 Genomes Project 0.00020.
gnomAD v4.1: 3 of 1,613,862 alleles (0.00019%); highest among the groups gnomAD compares: African/African-American, 0.0013%; no homozygotes.

Submission:

Labcorp Genetics (formerly Invitae), Labcorp
Classification: Uncertain significance for DOCK2 deficiency. Last evaluated: 2022-06-05. Review status: criteria provided, single submitter. Criteria: Invitae Variant Classification Sherloc (09022015). Collection method: clinical testing. Allele origin: germline.
Comment: This sequence change replaces serine, which is neutral and polar, with asparagine, which is neutral and polar, at codon 587 of the DOCK2 protein (p.Ser587Asn). This variant is present in population databases (rs201774749, gnomAD no frequency). This variant has not been reported in the literature in individuals affected with DOCK2-related conditions. Algorithms developed to predict the effect of missense changes on protein structure and function are either unavailable or do not agree on the potential impact of this missense change (SIFT: "Tolerated"; PolyPhen-2: "Possibly Damaging"; Align-GVGD: "Class C0"). In summary, the available evidence is currently insufficient to determine the role of this variant in disease. Therefore, it has been classified as a Variant of Uncertain Significance.